The following is an entry in ClinVar:

NM_003640.5(ELP1):c.1749G>A (p.Trp583Ter)

Gene: ELP1 (elongator acetyltransferase complex subunit 1; minus strand). Cytogenetic location: 9q31.3.
Variant type: single nucleotide variant.
Coding change: c.1749G>A on transcript NM_003640.5 (MANE Select); coding-DNA position 1749, G replaced by A.
Protein change: p.Trp583Ter; replaces tryptophan 583 with a stop codon.
Molecular consequence: nonsense.
Genome position (GRCh38, 1-based): chr9:108,903,564, C>T on the plus strand (G>A on the coding strand, the complement: ELP1 is on the minus strand). VCF-style: chr9-108903564-C-T. GRCh37 (hg19) VCF-style: chr9-111665844-C-T.
Other names: c.1749G>A (NM_003640.4); c.1407G>A, p.Trp469Ter (NM_001318360.2); c.702G>A, p.Trp234Ter (NM_001330749.2); short protein forms W469*, W583*, W234*.
Identifiers: ClinVar variation 3596275 (VCV003596275.2).

ClinVar aggregate classification (germline): Likely pathogenic. Review status: criteria provided, multiple submitters, no conflicts (2 of 4 stars). 2 submissions from 2 submitters: Likely pathogenic (2). Last evaluated 2025-03-10.

Conditions:
Familial dysautonomia. Also called: FD; HSAN III. Identifiers: Orphanet 1764, MedGen C0013364, MONDO:0009131, OMIM 223900. Disease mechanism: loss of function.
Medulloblastoma (MDB). Also called: Medulloblastoma, somatic; MEDULLOBLASTOMA PREDISPOSITION SYNDROME. Identifiers: Orphanet 616, MedGen C0025149, MeSH D008527, MONDO:0007959, OMIM 155255, HP:0002885.

Submissions (2):

Natera, Inc.
Classification: Likely pathogenic for Familial dysautonomia. Last evaluated: 2025-03-10. Review status: criteria provided, single submitter. Criteria: Natera Variant Classification Schema (03/2026). Collection method: clinical testing. Allele origin: germline.
Comment: The c.1749G>A variant in ELP1 is a nonsense variant predicted to introduce a stop codon at amino acid 583. This variant is expected to result in nonsense mediated decay, truncation, or a dysfunctional protein product. This variant is rare in the general population with a frequency below the threshold expected for the associated phenotype(s). Given the available evidence, this variant is classified as Likely Pathogenic.

Fulgent Genetics
Classification: Likely pathogenic for Medulloblastoma; Familial dysautonomia. Last evaluated: 2024-04-10. Review status: criteria provided, single submitter. Criteria: ACMG Guidelines, 2015. Collection method: clinical testing. Allele origin: germline.